The following is an entry in ClinVar:

NM_004526.4(MCM2):c.826C>T (p.Arg276Cys)

Gene: MCM2 (minichromosome maintenance complex component 2; plus strand). Cytogenetic location: 3q21.3.
Variant type: single nucleotide variant.
Coding change: c.826C>T on transcript NM_004526.4 (MANE Select); coding-DNA position 826, C replaced by T.
Protein change: p.Arg276Cys; replaces arginine 276 with cysteine.
Molecular consequence: missense variant. On other transcripts: non-coding transcript variant (1).
Genome position (GRCh38, 1-based): chr3:127,606,270, C>T. VCF-style: chr3-127606270-C-T. GRCh37 (hg19) VCF-style: chr3-127325113-C-T.
Other names: short protein forms R276C.
Identifiers: ClinVar variation 1962798 (VCV001962798.5), dbSNP rs981458128, ClinGen allele CA83309197.

ClinVar aggregate classification (germline): Uncertain significance (1 of 4 stars; one submission).

Allele frequency attached by ClinVar (database versions not stated): gnomAD 0.00001; TOPMed 0.00002.
gnomAD v4.1: 17 of 1,614,114 alleles (0.0011%); highest among the groups gnomAD compares: African/African-American, 0.0027%; no homozygotes.

Submission:

Labcorp Genetics (formerly Invitae), Labcorp
Classification: Uncertain significance. Last evaluated: 2024-01-02. Review status: criteria provided, single submitter. Criteria: Invitae Variant Classification Sherloc (09022015). Collection method: clinical testing. Allele origin: germline.
Comment: This sequence change replaces arginine, which is basic and polar, with cysteine, which is neutral and slightly polar, at codon 276 of the MCM2 protein (p.Arg276Cys). This variant is present in population databases (no rsID available, gnomAD 0.0009%). This variant has not been reported in the literature in individuals affected with MCM2-related conditions. ClinVar contains an entry for this variant (Variation ID: 1962798). Advanced modeling of protein sequence and biophysical properties (such as structural, functional, and spatial information, amino acid conservation, physicochemical variation, residue mobility, and thermodynamic stability) performed at Invitae indicates that this missense variant is expected to disrupt MCM2 protein function with a positive predictive value of 80%. In summary, the available evidence is currently insufficient to determine the role of this variant in disease. Therefore, it has been classified as a Variant of Uncertain Significance.